The following is an entry in ClinVar:

ClinVar aggregate classification (germline): Uncertain significance (1 of 4 stars; one submission).

Conditions:
MYCN-related disorder. Also called: MYCN-related condition.

gnomAD v4.1: 4 of 1,613,086 alleles (0.00025%); highest among the groups gnomAD compares: Non-Finnish European, 0.00034%; no homozygotes.

Submission:

PreventionGenetics, part of Exact Sciences
Classification: Uncertain significance for MYCN-related condition. Last evaluated: 2024-10-19. Review status: criteria provided, single submitter. Criteria: ACMG Guidelines, 2015. Collection method: clinical testing. Allele origin: germline.
Comment: The MYCN c.251A>T variant is predicted to result in the amino acid substitution p.Gln84Leu. To our knowledge, this variant has not been reported in the literature or in a large population database (gnomAD), indicating this variant is rare. At this time, the clinical significance of this variant is uncertain due to the absence of conclusive functional and genetic evidence.

NM_005378.6(MYCN):c.-24A>T

Genes: MYCN (MYCN proto-oncogene, bHLH transcription factor; plus strand), MYCNOS (MYCN opposite strand; minus strand). Cytogenetic location: 2p24.3.
Variant type: single nucleotide variant.
Coding change: c.-24A>T on transcript NM_005378.6 (MANE Select); 24 bases upstream of the start codon, A replaced by T.
Molecular consequence: 5 prime UTR variant. On other transcripts: missense variant (1), intron variant (1).
Genome position (GRCh38, 1-based): chr2:15,942,041, A>T. VCF-style: chr2-15942041-A-T. GRCh37 (hg19) VCF-style: chr2-16082163-A-T.
Other names: c.-24A>T (NM_001293228.2); c.251A>T, p.Gln84Leu (NM_001293233.2); c.157+1298A>T (NM_001293231.2); short protein forms Q84L.
Identifiers: ClinVar variation 4983102 (VCV004983102.1).